The following is an entry in ClinVar:

ClinVar aggregate classification (germline): Uncertain significance (1 of 4 stars; one submission).

Submission:

Labcorp Genetics (formerly Invitae), Labcorp
Classification: Uncertain significance. Last evaluated: 2024-08-31. Review status: criteria provided, single submitter. Criteria: Invitae Variant Classification Sherloc (09022015). Collection method: clinical testing. Allele origin: germline.
Comment: This sequence change replaces proline, which is neutral and non-polar, with threonine, which is neutral and polar, at codon 108 of the ANXA11 protein (p.Pro108Thr). This variant is not present in population databases (gnomAD no frequency). This variant has not been reported in the literature in individuals affected with ANXA11-related conditions. Experimental studies and prediction algorithms are not available or were not evaluated, and the functional significance of this variant is currently unknown. In summary, the available evidence is currently insufficient to determine the role of this variant in disease. Therefore, it has been classified as a Variant of Uncertain Significance.

NM_145868.2(ANXA11):c.322C>A (p.Pro108Thr)

Genes: ANXA11 (annexin A11; minus strand), LOC130004184 (ATAC-STARR-seq lymphoblastoid silent region 2543; plus strand). Cytogenetic location: 10q22.3.
Variant type: single nucleotide variant.
Coding change: c.322C>A on transcript NM_145868.2 (MANE Select); coding-DNA position 322, C replaced by A.
Protein change: p.Pro108Thr; replaces proline 108 with threonine.
Molecular consequence: missense variant.
Genome position (GRCh38, 1-based): chr10:80,169,208, G>T on the plus strand (C>A on the coding strand, the complement: ANXA11 is on the minus strand). VCF-style: chr10-80169208-G-T. GRCh37 (hg19) VCF-style: chr10-81928964-G-T.
Other names: c.322C>A, p.Pro108Thr (NM_001157.3, NM_001278407.2, NM_001278408.2 and 1 more transcripts); c.223C>A, p.Pro75Thr (NM_001278409.2); short protein forms P108T, P75T.
Identifiers: ClinVar variation 3618183 (VCV003618183.2).